The following is an entry in ClinVar:

NM_005476.7(GNE):c.1259G>A (p.Arg420Gln)

Gene: GNE (glucosamine (UDP-N-acetyl)-2-epimerase/N-acetylmannosamine kinase; minus strand). Cytogenetic location: 9p13.3.
Variant type: single nucleotide variant.
Coding change: c.1259G>A on transcript NM_005476.7 (MANE Select); coding-DNA position 1259, G replaced by A.
Protein change: p.Arg420Gln; replaces arginine 420 with glutamine.
Molecular consequence: missense variant.
Genome position (GRCh38, 1-based): chr9:36,227,270, C>T on the plus strand (G>A on the coding strand, the complement: GNE is on the minus strand). VCF-style: chr9-36227270-C-T. GRCh37 (hg19) VCF-style: chr9-36227267-C-T.
Other names: c.1352G>A, p.Arg451Gln (NM_001128227.3); c.1259G>A, p.Arg420Gln (NM_001190383.3); c.929G>A, p.Arg310Gln (NM_001190384.3); c.1082G>A, p.Arg361Gln (NM_001190388.2, NM_001374798.1); c.1106G>A, p.Arg369Gln (NM_001374797.1); short protein forms R451Q, R420Q, R310Q, R361Q, R369Q.
Identifiers: ClinVar variation 282659 (VCV000282659.14), dbSNP rs780092539, ClinGen allele CA5056549.

ClinVar aggregate classification (germline): Conflicting classifications of pathogenicity. Review status: criteria provided, conflicting classifications (1 of 4 stars). 4 submissions from 4 submitters: Likely pathogenic (1); Uncertain significance (3). Last evaluated 2026-01-08.

Conditions:
GNE myopathy (NM). Also called: NONAKA DISTAL MYOPATHY; INCLUSION BODY MYOPATHY, HEREDITARY, AUTOSOMAL RECESSIVE; INCLUSION BODY MYOPATHY 2, AUTOSOMAL RECESSIVE; IBM 2; Inclusion body myopathy autosomal recessive; Inclusion body myopathy quadriceps sparing. Identifiers: Orphanet 602, MedGen C1853926, MONDO:0011603, OMIM 605820.
Sialuria. Also called: SIALURIA, FRENCH TYPE; Sialic Acid Storage Disease. Identifiers: Orphanet 3166, MedGen C0342853, MONDO:0010028, OMIM 269921.

Allele frequency attached by ClinVar (database versions not stated): gnomAD exomes 0.00001; gnomAD 0.00001 and 0.00002; TOPMed below 0.00001; ExAC 0.00001.
gnomAD v4.1: 12 of 1,612,044 alleles (0.00074%); highest among the groups gnomAD compares: African/African-American, 0.0013%; no homozygotes.

Submissions (4):

Dasa
Classification: Likely pathogenic. Last evaluated: 2026-01-08. Review status: criteria provided, single submitter. Criteria: DASA Assertion Criteria. Collection method: clinical testing. Allele origin: germline.
Comment: NM_005476.7(GNE):c.1259G>A (p.Arg420Gln) is a missense variant that results in the substitution of arginine with glutamine. Segregation data support an association with disease in the reported family/families (PMID: 35255501). This variant has been recurrently observed in individuals with GNE-related disorders (PMID: 35052006; PMID: 35255501; PMID: 34858435). Functional evidence supports an impact on the gene or gene product (PMID: 35052006; PMID: 35255501; PMID: 34858435). Also, this variant is rare in population databases. Based on the currently available evidence, this variant is classified as likely pathogenic.

Labcorp Genetics (formerly Invitae), Labcorp
Classification: Uncertain significance for Sialuria; GNE myopathy. Last evaluated: 2025-07-22. Review status: criteria provided, single submitter. Criteria: Invitae Variant Classification Sherloc (09022015). Collection method: clinical testing. Allele origin: germline.
Comment: This sequence change replaces arginine, which is basic and polar, with glutamine, which is neutral and polar, at codon 451 of the GNE protein (p.Arg451Gln). This variant is present in population databases (rs780092539, gnomAD 0.002%). This missense change has been observed in individual(s) with clinical features of GNE-related conditions (PMID: 34858435, 35052006). This variant is also known as c.1259G>A, p.Arg420Gln. ClinVar contains an entry for this variant (Variation ID: 282659). Invitae Evidence Modeling of protein sequence and biophysical properties (such as structural, functional, and spatial information, amino acid conservation, physicochemical variation, residue mobility, and thermodynamic stability) has been performed for this missense variant. However, the output from this modeling did not meet the statistical confidence thresholds required to predict the impact of this variant on GNE protein function. In summary, the available evidence is currently insufficient to determine the role of this variant in disease. Therefore, it has been classified as a Variant of Uncertain Significance.

Fulgent Genetics
Classification: Uncertain significance for Sialuria; GNE myopathy. Last evaluated: 2022-01-04. Review status: criteria provided, single submitter. Criteria: ACMG Guidelines, 2015. Collection method: clinical testing. Allele origin: unknown.

Eurofins Ntd Llc (ga)
Classification: Uncertain significance. Last evaluated: 2015-08-18. Review status: criteria provided, single submitter. Criteria: EGL Classification Definitions 2015. Collection method: clinical testing. Allele origin: germline. Observed: 1 variant allele, 1 heterozygote.

Literature cited by the submitters: PubMed 35255501 (cited by Dasa); PubMed 35052006 (cited by Dasa and Labcorp Genetics (formerly Invitae), Labcorp); PubMed 34858435 (cited by Dasa and Labcorp Genetics (formerly Invitae), Labcorp).